The following is an entry in ClinVar:

NM_000016.6(ACADM):c.1133G>A (p.Gly378Asp)

Gene: ACADM (acyl-CoA dehydrogenase medium chain; plus strand). Cytogenetic location: 1p31.1.
Variant type: single nucleotide variant.
Coding change: c.1133G>A on transcript NM_000016.6 (MANE Select); coding-DNA position 1133, G replaced by A.
Protein change: p.Gly378Asp; replaces glycine 378 with aspartic acid.
Molecular consequence: missense variant.
Genome position (GRCh38, 1-based): chr1:75,761,309, G>A. VCF-style: chr1-75761309-G-A. GRCh37 (hg19) VCF-style: chr1-76226994-G-A.
Other names: c.1145G>A, p.Gly382Asp (NM_001127328.3); c.1025G>A, p.Gly342Asp (NM_001286042.2); c.1232G>A, p.Gly411Asp (NM_001286043.2); c.566G>A, p.Gly189Asp (NM_001286044.2); short protein forms G189D, G342D, G378D, G382D, G411D.
Identifiers: ClinVar variation 3612935 (VCV003612935.3).
Genomic context (GRCh38, chr1:75,761,309, plus strand): 5'-AGGCATTTGCTGGAGATATTGCAAATCAGTTAGCTACTGATGCTGTGCAGATACTTGGAG[G>A]CAATGGATTTAATACAGAATATCCTGTAGAAAAACTAATGAGGGATGCCAAAATCTATCA-3'
Protein context (NP_000007.1, residues 368-388): LATDAVQILG[Gly378Asp]NGFNTEYPVE

ClinVar aggregate classification (germline): Conflicting classifications of pathogenicity. Review status: criteria provided, conflicting classifications (1 of 4 stars). 2 submissions from 2 submitters: Likely pathogenic (1); Uncertain significance (1). Last evaluated 2026-06-02.

Conditions:
Medium-chain acyl-coenzyme A dehydrogenase deficiency (ACADMD). Also called: MCADD; ACADM DEFICIENCY; Medium chain acyl-CoA dehydrogenase deficiency; MCAD Deficiency; CARNITINE DEFICIENCY SECONDARY TO MEDIUM-CHAIN ACYL-CoA DEHYDROGENASE DEFICIENCY; MCADH DEFICIENCY. Identifiers: Orphanet 42, MedGen C0220710, MONDO:0008721, OMIM 201450.

Submissions (2):

Myriad Genetics, Inc.
Classification: Uncertain significance for Medium-chain acyl-coenzyme A dehydrogenase deficiency. Last evaluated: 2026-06-02. Review status: criteria provided, single submitter. Criteria: Myriad Autosomal Dominant, Autosomal Recessive and X-Linked Classification Criteria (2023). Collection method: clinical testing. Allele origin: unknown.
Comment: NM_000016.4(ACADM):c.1133G>A(G378D) is a missense variant classified as a variant of uncertain significance in the context of medium-chain acyl-CoA dehydrogenase deficiency. G378D has not been observed in cases with relevant disease. Relevant functional assessments of this variant are not available in the literature. G378D has not been observed in referenced population frequency databases. In summary, there is insufficient evidence to classify NM_000016.4(ACADM):c.1133G>A(G378D) as pathogenic or benign. Please note: this variant was assessed in the context of healthy population screening.

Labcorp Genetics (formerly Invitae), Labcorp
Classification: Likely pathogenic for Medium-chain acyl-coenzyme A dehydrogenase deficiency. Last evaluated: 2024-07-01. Review status: criteria provided, single submitter. Criteria: Invitae Variant Classification Sherloc (09022015). Collection method: clinical testing. Allele origin: germline.
Comment: This sequence change replaces glycine, which is neutral and non-polar, with aspartic acid, which is acidic and polar, at codon 378 of the ACADM protein (p.Gly378Asp). This variant is not present in population databases (gnomAD no frequency). This missense change has been observed in individual(s) with MCAD deficiency (Invitae). Advanced modeling of protein sequence and biophysical properties (such as structural, functional, and spatial information, amino acid conservation, physicochemical variation, residue mobility, and thermodynamic stability) performed at Invitae indicates that this missense variant is expected to disrupt ACADM protein function with a positive predictive value of 80%. In summary, the currently available evidence indicates that the variant is pathogenic, but additional data are needed to prove that conclusively. Therefore, this variant has been classified as Likely Pathogenic.